The following is an entry in ClinVar:

NM_006939.4(SOS2):c.1810G>T (p.Val604Leu)

Gene: SOS2 (SOS Ras/Rho guanine nucleotide exchange factor 2; minus strand). Cytogenetic location: 14q21.3.
Variant type: single nucleotide variant.
Coding change: c.1810G>T on transcript NM_006939.4 (MANE Select); coding-DNA position 1810, G replaced by T.
Protein change: p.Val604Leu; replaces valine 604 with leucine.
Molecular consequence: missense variant.
Genome position (GRCh38, 1-based): chr14:50,159,473, C>A on the plus strand (G>T on the coding strand, the complement: SOS2 is on the minus strand). VCF-style: chr14-50159473-C-A. GRCh37 (hg19) VCF-style: chr14-50626191-C-A.
Other names: short protein forms V604L.
Identifiers: ClinVar variation 1490012 (VCV001490012.6), dbSNP rs769210427, ClinGen allele CA7177242.

ClinVar aggregate classification (germline): Uncertain significance (1 of 4 stars; one submission).

Conditions:
Noonan syndrome 9 (NS9). Identifiers: Orphanet 648, MedGen C4225282, MONDO:0014691, OMIM 616559.

Allele frequency attached by ClinVar (database versions not stated): gnomAD exomes below 0.00001; ExAC 0.00001.
gnomAD v4.1: 1 of 1,612,448 alleles (0.000062%); highest among the groups gnomAD compares: Non-Finnish European, 0.000085%; no homozygotes.

Submission:

Labcorp Genetics (formerly Invitae), Labcorp
Classification: Uncertain significance for Noonan syndrome 9. Last evaluated: 2024-07-30. Review status: criteria provided, single submitter. Criteria: Invitae Variant Classification Sherloc (09022015). Collection method: clinical testing. Allele origin: germline.
Comment: This sequence change replaces valine, which is neutral and non-polar, with leucine, which is neutral and non-polar, at codon 604 of the SOS2 protein (p.Val604Leu). This variant is present in population databases (rs769210427, gnomAD 0.0009%). This variant has not been reported in the literature in individuals affected with SOS2-related conditions. ClinVar contains an entry for this variant (Variation ID: 1490012). Advanced modeling of protein sequence and biophysical properties (such as structural, functional, and spatial information, amino acid conservation, physicochemical variation, residue mobility, and thermodynamic stability) performed at Invitae indicates that this missense variant is not expected to disrupt SOS2 protein function with a negative predictive value of 80%. In summary, the available evidence is currently insufficient to determine the role of this variant in disease. Therefore, it has been classified as a Variant of Uncertain Significance.